The following is an entry in ClinVar:

ClinVar aggregate classification (germline): Uncertain significance. Review status: criteria provided, multiple submitters, no conflicts (2 of 4 stars). 2 submissions from 2 submitters: Uncertain significance (2). Last evaluated 2024-06-17.

Conditions:
Pierpont syndrome (PRPTS). Identifiers: Orphanet 487825, MedGen C1865644, MONDO:0011213, OMIM 602342.
Intellectual developmental disorder, autosomal dominant 41. Also called: Intellectual disability, autosomal dominant 41. Identifiers: Orphanet 2823, MedGen C4310784, MONDO:0014842, OMIM 616944.

Allele frequency attached by ClinVar (database versions not stated): gnomAD 0.00001; gnomAD exomes below 0.00001.
gnomAD v4.1: 5 of 1,601,510 alleles (0.00031%); highest among the groups gnomAD compares: African/African-American, 0.0013%; no homozygotes.

Submissions (2):

Fulgent Genetics
Classification: Uncertain significance for Pierpont syndrome; Intellectual developmental disorder, autosomal dominant 41. Last evaluated: 2024-06-17. Review status: criteria provided, single submitter. Criteria: ACMG Guidelines, 2015. Collection method: clinical testing. Allele origin: germline.

Labcorp Genetics (formerly Invitae), Labcorp
Classification: Uncertain significance for Pierpont syndrome. Last evaluated: 2022-03-14. Review status: criteria provided, single submitter. Criteria: Invitae Variant Classification Sherloc (09022015). Collection method: clinical testing. Allele origin: germline.
Comment: This sequence change replaces asparagine, which is neutral and polar, with serine, which is neutral and polar, at codon 412 of the TBL1XR1 protein (p.Asn412Ser). In summary, the available evidence is currently insufficient to determine the role of this variant in disease. Therefore, it has been classified as a Variant of Uncertain Significance. Advanced modeling of protein sequence and biophysical properties (such as structural, functional, and spatial information, amino acid conservation, physicochemical variation, residue mobility, and thermodynamic stability) performed at Invitae indicates that this missense variant is not expected to disrupt TBL1XR1 protein function. ClinVar contains an entry for this variant (Variation ID: 536409). This variant has not been reported in the literature in individuals affected with TBL1XR1-related conditions. This variant is not present in population databases (gnomAD no frequency).

NM_024665.7(TBL1XR1):c.1235A>G (p.Asn412Ser)

Gene: TBL1XR1 (TBL1X/Y related 1; minus strand). Cytogenetic location: 3q26.32.
Variant type: single nucleotide variant.
Coding change: c.1235A>G on transcript NM_024665.7 (MANE Select); coding-DNA position 1235, A replaced by G.
Protein change: p.Asn412Ser; replaces asparagine 412 with serine.
Molecular consequence: missense variant.
Genome position (GRCh38, 1-based): chr3:177,034,213, T>C on the plus strand (A>G on the coding strand, the complement: TBL1XR1 is on the minus strand). VCF-style: chr3-177034213-T-C. GRCh37 (hg19) VCF-style: chr3-176752001-T-C.
Other names: c.1235A>G, p.Asn412Ser (NM_001321193.3, NM_001321194.3, NM_001374327.1 and 2 more transcripts); c.974A>G, p.Asn325Ser (NM_001321195.3, NM_001374330.1); short protein forms N412S, N325S.
Identifiers: ClinVar variation 536409 (VCV000536409.9), dbSNP rs1553808729, ClinGen allele CA355554602.
Genomic context (GRCh38, chr3:177,034,213, plus strand): 5'-ATTTGTAGAAGACTCATAAAAGGAAAAATGAAACAGAAGTATCACCTTGCTAACATAAGG[T>C]TGGCATTTGGATTATTAGTCCCTGGTCCTGTTGGACTCCATTTGATAGTATAAATTTCTT-3'
Protein context (NP_078941.2, residues 402-422): TGPGTNNPNA[Asn412Ser]LMLASASFDS